The following is an entry in ClinVar:

ClinVar aggregate classification (germline): Conflicting classifications of pathogenicity. Review status: criteria provided, conflicting classifications (1 of 4 stars). 6 submissions from 6 submitters: Pathogenic (2); Likely pathogenic (2); Uncertain significance (2). Last evaluated 2026-08-14.

Conditions:
Glycogen storage disease, type IV (GSD4). Also called: AMYLOPECTINOSIS; ANDERSEN DISEASE; BRANCHER DEFICIENCY; CIRRHOSIS, FAMILIAL, WITH DEPOSITION OF ABNORMAL GLYCOGEN; GBE1 DEFICIENCY; GLYCOGEN BRANCHING ENZYME DEFICIENCY. Identifiers: Orphanet 367, MedGen C0017923, MONDO:0009292, OMIM 232500.

Allele frequency attached by ClinVar (database versions not stated): gnomAD 0.00001 and 0.00002; gnomAD exomes 0.00001 and 0.00002; ExAC 0.00002.
gnomAD v4.1: 20 of 1,587,022 alleles (0.0013%); highest among the groups gnomAD compares: African/African-American, 0.0055%; no homozygotes.

Submissions (6):

Myriad Genetics, Inc.
Classification: Uncertain significance for Glycogen storage disease, type IV. Last evaluated: 2026-08-14. Review status: criteria provided, single submitter. Criteria: Myriad Autosomal Dominant, Autosomal Recessive and X-Linked Classification Criteria (2023). Collection method: clinical testing. Allele origin: unknown.
Comment: NM_000158.3(GBE1):c.1694G>A(R565Q) is a missense variant classified as a variant of uncertain significance in the context of glycogen storage disease, GBE1-related. R565Q has been observed in cases with relevant disease (PMID: 23034915, 38012812, 39891418, and Zhong_2019_(Article)). Relevant functional assessments of this variant are not available in the literature. R565Q has been observed in referenced population frequency databases. In summary, there is insufficient evidence to classify NM_000158.3(GBE1):c.1694G>A(R565Q) as pathogenic or benign. Please note: this variant was assessed in the context of healthy population screening.

Women's Health and Genetics/Laboratory Corporation of America, LabCorp
Classification: Pathogenic for Glycogen storage disease, type IV. Last evaluated: 2026-06-08. Review status: criteria provided, single submitter. Criteria: LabCorp Variant Classification Summary - May 2015. Collection method: clinical testing. Allele origin: germline.
Comment: Variant summary: GBE1 c.1694G>A (p.Arg565Gln) results in a conservative amino acid change in the encoded protein sequence. Algorithms developed to predict the effect of missense changes on protein structure and function are either unavailable or do not agree on the potential impact of this missense change. The variant allele was found at a frequency of 1.8e-05 in 225138 control chromosomes. c.1694G>A has been observed in individuals affected with Glycogen Storage Disease, Type IV (e.g. Mochel_2012, Lefevre_2024, El-Dessouky_2025). These data indicate that the variant is likely to be associated with disease. To our knowledge, no experimental evidence demonstrating an impact on protein function has been reported. However, a different variant affecting the same codon has been classified as pathogenic by our lab (c.1693C>T, p.Arg565Trp), supporting the critical relevance of codon 565 to GBE1 protein function. The following publications have been ascertained in the context of this evaluation (PMID: 39891418, 38012812, 23034915). ClinVar contains an entry for this variant (Variation ID: 1341387). Based on the evidence outlined above, the variant was classified as pathogenic.

Natera, Inc.
Classification: Likely pathogenic for Glycogen storage disease type IV. Last evaluated: 2025-11-24. Review status: criteria provided, single submitter. Criteria: Natera Variant Classification Schema (03/2026). Collection method: clinical testing. Allele origin: germline.
Comment: The c.1694G>A variant in GBE1 is a missense variant predicted to cause substitution of arginine to glutamine at amino acid 565. This variant is rare in the general population with a frequency below the threshold expected for the associated phenotype(s). This variant has been observed in one or more individuals affected with the associated recessive disease, as either homozygous or compound heterozygous with a second variant (PMID: 23034915, 38012812). A different variant at the same position has been determined to be Pathogenic or Likely Pathogenic. Computational prediction algorithms indicate this variant is likely to affect gene or protein function. Given the available evidence, this variant is classified as Likely Pathogenic.

CeGaT Center for Human Genetics Tuebingen
Classification: Likely pathogenic. Last evaluated: 2025-08-01. Review status: criteria provided, single submitter. Criteria: CeGaT Center For Human Genetics Tuebingen Variant Classification Criteria Version 2. Collection method: clinical testing. Allele origin: germline. Affected: yes. Observed: 1 variant allele.
Comment: GBE1: PM2, PM3, PM5

Baylor Genetics
Classification: Pathogenic for Glycogen storage disease, type IV. Last evaluated: 2024-03-28. Review status: criteria provided, single submitter. Criteria: ACMG Guidelines, 2015. Collection method: clinical testing. Allele origin: unknown.

Broad Center for Mendelian Genomics, Broad Institute of MIT and Harvard
Classification: Uncertain significance for Glycogen storage disease, type IV. Last evaluated: 2022-01-27. Review status: criteria provided, single submitter. Criteria: ACMG Guidelines, 2015. Collection method: curation. Allele origin: germline. Inheritance: Autosomal recessive inheritance.
Comment: The p.Arg565Gln variant in GBE1 has been reported in 1 compound heterozygous individual with adult polyglucosan body disease (APBD) (PMID: 23034915) and has been identified in 0.01% (3/22110) of African/African American chromosomes by the Genome Aggregation Database (gnomAD; dbSNP ID: rs774619760). Although this variant has been seen in the general population in a heterozygous state, its frequency is not high enough to rule out a pathogenic role. Computational prediction tools and conservation analyses suggest that this variant may impact the protein, though this information is not predictive enough to determine pathogenicity. In summary, the clinical significance of the p.Arg565Gln variant is uncertain. ACMG/AMP Criteria applied: PP3, PM3_supporting (Richards 2015).

Literature cited by the submitters: PubMed 23034915 (cited by Women's Health and Genetics/Laboratory Corporation of America, LabCorp and Natera, Inc.); PubMed 38012812 (cited by Women's Health and Genetics/Laboratory Corporation of America, LabCorp and Natera, Inc.); PubMed 39891418 (cited by Women's Health and Genetics/Laboratory Corporation of America, LabCorp).

NM_000158.4(GBE1):c.1694G>A (p.Arg565Gln)

Gene: GBE1 (1,4-alpha-glucan branching enzyme 1; minus strand). Cytogenetic location: 3p12.2.
Variant type: single nucleotide variant.
Coding change: c.1694G>A on transcript NM_000158.4 (MANE Select); coding-DNA position 1694, G replaced by A.
Protein change: p.Arg565Gln; replaces arginine 565 with glutamine.
Molecular consequence: missense variant.
Genome position (GRCh38, 1-based): chr3:81,537,020, C>T on the plus strand (G>A on the coding strand, the complement: GBE1 is on the minus strand). VCF-style: chr3-81537020-C-T. GRCh37 (hg19) VCF-style: chr3-81586171-C-T.
Other names: NM_000158.4:c.1694G>A; c.1694G>A (NM_000158.3); short protein forms R565Q.
Identifiers: ClinVar variation 1341387 (VCV001341387.14), dbSNP rs774619760, ClinGen allele CA2499590.